The following is an entry in ClinVar:

NM_001014436.3(DBNL):c.957C>T (p.Pro319=)

Gene: DBNL (drebrin like; plus strand). Cytogenetic location: 7p13.
Variant type: single nucleotide variant.
Coding change: c.957C>T on transcript NM_001014436.3 (MANE Select); coding-DNA position 957, C replaced by T.
Protein change: p.Pro319=; no amino-acid change (proline 319 retained).
Molecular consequence: synonymous variant.
Genome position (GRCh38, 1-based): chr7:44,059,568, C>T. VCF-style: chr7-44059568-C-T. GRCh37 (hg19) VCF-style: chr7-44099167-C-T.
Other names: c.984C>T, p.Pro328= (NM_001122956.2); c.648C>T, p.Pro216= (NM_001284313.2); c.675C>T, p.Pro225= (NM_001284315.2); c.981C>T, p.Pro327= (NM_001362723.2); c.960C>T, p.Pro320= (NM_014063.7).
Identifiers: ClinVar variation 3024739 (VCV003024739.22), dbSNP rs147270019, ClinGen allele CA4236376.
Genomic context (GRCh38, chr7:44,059,568, plus strand): 5'-GTGGGAGTGAGAACCTGCTGTGTTCCCTGGTGCAGATCTCCCTGCTGAGGAGCCGGCGCC[C>T]AGCACTCCTCCATGTCTGGTGCAGGCAGAAGAGGAGGCTGTGTATGAGGAACCTCCAGAG-3'
Protein context (NP_001014436.1, residues 309-329): RADLPAEEPA[Pro319=]STPPCLVQAE

ClinVar aggregate classification (germline): Likely benign (1 of 4 stars; one submission).

Allele frequency attached by ClinVar (database versions not stated): 1000 Genomes Project 30x 0.00047; 1000 Genomes Project 0.00060; gnomAD exomes 0.00088; ESP Exome Variant Server 0.00100; TOPMed 0.00113; gnomAD 0.00122; ExAC 0.00125.
gnomAD v4.1: 1,484 of 1,612,614 alleles (0.092%); highest among the groups gnomAD compares: Admixed American, 0.29%; 1 homozygote.

Submission:

CeGaT Center for Human Genetics Tuebingen
Classification: Likely benign. Last evaluated: 2024-02-01. Review status: criteria provided, single submitter. Criteria: CeGaT Center For Human Genetics Tuebingen Variant Classification Criteria Version 2. Collection method: clinical testing. Allele origin: germline. Affected: yes. Observed: 1 variant allele.
Comment: DBNL: BP4, BS2